The following is an entry in ClinVar:

NM_000321.3(RB1):c.1690C>G (p.Leu564Val)

Gene: RB1 (RB transcriptional corepressor 1; plus strand). Cytogenetic location: 13q14.2.
Variant type: single nucleotide variant.
Coding change: c.1690C>G on transcript NM_000321.3 (MANE Select); coding-DNA position 1690, C replaced by G.
Protein change: p.Leu564Val; replaces leucine 564 with valine.
Molecular consequence: missense variant.
Genome position (GRCh38, 1-based): chr13:48,381,438, C>G. VCF-style: chr13-48381438-C-G. GRCh37 (hg19) VCF-style: chr13-48955574-C-G.
Other names: c.1690C>G, p.Leu564Val (NM_001407165.1, NM_001407166.1); short protein forms L564V.
Identifiers: ClinVar variation 1778124 (VCV001778124.7), dbSNP rs2138145823, ClinGen allele CA388164061.

ClinVar aggregate classification (germline): Uncertain significance. Review status: criteria provided, multiple submitters, no conflicts (2 of 4 stars). 2 submissions from 2 submitters: Uncertain significance (2). Last evaluated 2024-08-27.

Conditions:
Hereditary cancer-predisposing syndrome. Also called: Neoplastic Syndromes, Hereditary; Tumor predisposition; Hereditary Cancer Syndrome; Hereditary neoplastic syndrome. Identifiers: Orphanet 140162, MedGen C0027672, MeSH D009386, MONDO:0015356.
Retinoblastoma (RB1). Also called: RETINOBLASTOMA, SOMATIC. Identifiers: Orphanet 790, MedGen C0035335, MeSH D012175, MONDO:0008380, OMIM 180200, HP:0009919. Disease mechanism: loss of function. Inheritance: Both sporadic and heritable forms are tested..

Submissions (2):

Labcorp Genetics (formerly Invitae), Labcorp
Classification: Uncertain significance for Retinoblastoma. Last evaluated: 2024-08-27. Review status: criteria provided, single submitter. Criteria: Invitae Variant Classification Sherloc (09022015). Collection method: clinical testing. Allele origin: germline.
Comment: This sequence change replaces leucine, which is neutral and non-polar, with valine, which is neutral and non-polar, at codon 564 of the RB1 protein (p.Leu564Val). This variant is not present in population databases (gnomAD no frequency). This variant has not been reported in the literature in individuals affected with RB1-related conditions. ClinVar contains an entry for this variant (Variation ID: 1778124). Invitae Evidence Modeling of protein sequence and biophysical properties (such as structural, functional, and spatial information, amino acid conservation, physicochemical variation, residue mobility, and thermodynamic stability) indicates that this missense variant is not expected to disrupt RB1 protein function with a negative predictive value of 80%. In summary, the available evidence is currently insufficient to determine the role of this variant in disease. Therefore, it has been classified as a Variant of Uncertain Significance.

Ambry Genetics
Classification: Uncertain significance for Hereditary cancer-predisposing syndrome. Last evaluated: 2022-08-19. Review status: criteria provided, single submitter. Criteria: Ambry Variant Classification Scheme 2023. Collection method: clinical testing. Allele origin: germline.
Comment: The p.L564V variant (also known as c.1690C>G), located in coding exon 17 of the RB1 gene, results from a C to G substitution at nucleotide position 1690. The leucine at codon 564 is replaced by valine, an amino acid with highly similar properties. This amino acid position is conserved. In addition, this alteration is predicted to be tolerated by in silico analysis. Since supporting evidence is limited at this time, the clinical significance of this alteration remains unclear.